The following is an entry in ClinVar:

ClinVar aggregate classification (germline): Uncertain significance. Review status: criteria provided, multiple submitters, no conflicts (2 of 4 stars). 2 submissions from 2 submitters: Uncertain significance (2). Last evaluated 2025-01-15.

Conditions:
Inborn genetic diseases. Identifiers: MedGen C0950123, MeSH D030342.

Allele frequency attached by ClinVar (database versions not stated): TOPMed 0.00001.
gnomAD v4.1: 10 of 1,613,504 alleles (0.00062%); highest among the groups gnomAD compares: Admixed American, 0.012%; no homozygotes.

Submissions (2):

Labcorp Genetics (formerly Invitae), Labcorp
Classification: Uncertain significance. Last evaluated: 2025-01-15. Review status: criteria provided, single submitter. Criteria: Invitae Variant Classification Sherloc (09022015). Collection method: clinical testing. Allele origin: germline.
Comment: This sequence change replaces arginine, which is basic and polar, with proline, which is neutral and non-polar, at codon 309 of the PDZD7 protein (p.Arg309Pro). This variant is present in population databases (rs528381893, gnomAD 0.02%). This variant has not been reported in the literature in individuals affected with PDZD7-related conditions. ClinVar contains an entry for this variant (Variation ID: 938072). Experimental studies and prediction algorithms are not available or were not evaluated, and the functional significance of this variant is currently unknown. In summary, the available evidence is currently insufficient to determine the role of this variant in disease. Therefore, it has been classified as a Variant of Uncertain Significance.

Ambry Genetics
Classification: Uncertain significance for Inborn genetic diseases. Last evaluated: 2024-07-17. Review status: criteria provided, single submitter. Criteria: Ambry Variant Classification Scheme 2023. Collection method: clinical testing. Allele origin: germline.

NM_001195263.2(PDZD7):c.926G>C (p.Arg309Pro)

Gene: PDZD7 (PDZ domain containing 7; minus strand). Cytogenetic location: 10q24.31.
Variant type: single nucleotide variant.
Coding change: c.926G>C on transcript NM_001195263.2 (MANE Select); coding-DNA position 926, G replaced by C.
Protein change: p.Arg309Pro; replaces arginine 309 with proline.
Molecular consequence: missense variant.
Genome position (GRCh38, 1-based): chr10:101,020,620, C>G on the plus strand (G>C on the coding strand, the complement: PDZD7 is on the minus strand). VCF-style: chr10-101020620-C-G. GRCh37 (hg19) VCF-style: chr10-102780377-C-G.
Other names: c.926G>C, p.Arg309Pro (NM_001351044.2, NM_024895.5); short protein forms R309P.
Identifiers: ClinVar variation 938072 (VCV000938072.7), dbSNP rs528381893, ClinGen allele CA5654201.